The following is an entry in ClinVar:

ClinVar aggregate classification (germline): Uncertain significance (1 of 4 stars; one submission).

Conditions:
Neuromuscular disease caused by qualitative or quantitative defects of dysferlin. Also called: Dysferlinopathy; Qualitative or quantitative defects of dysferlin. Identifiers: Orphanet 207073, MedGen C2931687, MONDO:0016145.

gnomAD v4.1: 2 of 1,613,990 alleles (0.00012%); highest among the groups gnomAD compares: Non-Finnish European, 0.00017%; no homozygotes.

Submission:

Labcorp Genetics (formerly Invitae), Labcorp
Classification: Uncertain significance for Neuromuscular disease caused by qualitative or quantitative defects of dysferlin. Last evaluated: 2025-10-09. Review status: criteria provided, single submitter. Criteria: Invitae Variant Classification Sherloc (09022015). Collection method: clinical testing. Allele origin: germline.
Comment: This sequence change replaces glutamic acid, which is acidic and polar, with glutamine, which is neutral and polar, at codon 1082 of the DYSF protein (p.Glu1082Gln). This variant is present in population databases (rs144599077, gnomAD 0.002%). This variant has not been reported in the literature in individuals affected with DYSF-related conditions. Invitae Evidence Modeling of protein sequence and biophysical properties (such as structural, functional, and spatial information, amino acid conservation, physicochemical variation, residue mobility, and thermodynamic stability) indicates that this missense variant is not expected to disrupt DYSF protein function with a negative predictive value of 95%. In summary, the available evidence is currently insufficient to determine the role of this variant in disease. Therefore, it has been classified as a Variant of Uncertain Significance.

NM_001130987.2(DYSF):c.3298G>C (p.Glu1100Gln)

Gene: DYSF (dysferlin; plus strand). Cytogenetic location: 2p13.2.
Variant type: single nucleotide variant.
Coding change: c.3298G>C on transcript NM_001130987.2 (MANE Select); coding-DNA position 3298, G replaced by C.
Protein change: p.Glu1100Gln; replaces glutamic acid 1100 with glutamine.
Molecular consequence: missense variant.
Genome position (GRCh38, 1-based): chr2:71,574,267, G>C. VCF-style: chr2-71574267-G-C. GRCh37 (hg19) VCF-style: chr2-71801397-G-C.
Other names: c.3298G>C, p.Glu1100Gln (NM_001130985.2); c.3205G>C, p.Glu1069Gln (NM_001130986.2, NM_001130984.2); c.3244G>C, p.Glu1082Gln (NM_003494.4, NM_001130978.2); c.3247G>C, p.Glu1083Gln (NM_001130455.2, NM_001130983.2); c.3202G>C, p.Glu1068Gln (NM_001130976.2, NM_001130977.2); c.3337G>C, p.Glu1113Gln (NM_001130979.2); c.3295G>C, p.Glu1099Gln (NM_001130980.2, NM_001130981.2); c.3340G>C, p.Glu1114Gln (NM_001130982.2); short protein forms E1068Q, E1113Q, E1069Q, E1082Q, E1099Q, E1100Q, E1083Q, E1114Q.
Identifiers: ClinVar variation 4741747 (VCV004741747.1).
Genomic context (GRCh38, chr2:71,574,267, plus strand): 5'-GCGGAGGCGGAGGGCGAGGGCTGGGAGTACGCCTCTCTTTTTGGCTGGAAGTTCCACCTC[G>C]AGTACCGCAAGACAGATGCCTTCCGCCGCCGCCGCTGGCGCCGTCGCATGGAGCCACTGG-3'
Protein context (NP_001124459.1, residues 1090-1110): ASLFGWKFHL[Glu1100Gln]YRKTDAFRRR